The following is an entry in ClinVar:

NM_000226.4(KRT9):c.1641_1664dup (p.Gly556_Asn557insGlyHisSerGlyGlySerGlyGly)

Gene: KRT9 (keratin 9; minus strand). Cytogenetic location: 17q21.2.
Variant type: Duplication.
Coding change: c.1641_1664dup on transcript NM_000226.4 (MANE Select); coding-DNA positions 1641 to 1664, 24 bases duplicated (AGGTGGTCATAGTGGAGGAAGTGG).
Protein change: p.Gly556_Asn557insGlyHisSerGlyGlySerGlyGly.
Molecular consequence: inframe insertion.
Genome position (GRCh38, 1-based): chr17:41,567,481-41,567,504, CCACTTCCTCCACTATGACCACCT duplicated on the plus strand (AGGTGGTCATAGTGGAGGAAGTGG on the coding strand, the reverse complement: KRT9 is on the minus strand); duplicating any 24 consecutive bases within chr17:41,567,481-41,567,515 gives the same sequence; the c. name uses the placement nearest the transcript's 3' end. VCF-style (leftmost placement, unchanged base first): chr17-41567480-C-CCCACTTCCTCCACTATGACCACCT. GRCh37 (hg19) VCF-style: chr17-39723732-C-CCCACTTCCTCCACTATGACCACCT.
Other names: c.1641_1664dup24 (NM_000226.3).
Identifiers: ClinVar variation 2045572 (VCV002045572.6), dbSNP rs547569771, ClinGen allele CA8561894.

ClinVar aggregate classification (germline): Benign/Likely benign. Review status: criteria provided, multiple submitters, no conflicts (2 of 4 stars). 3 submissions from 3 submitters: Benign (1); Likely benign (2). Last evaluated 2026-05-23.

Conditions:
KRT9-related disorder. Also called: KRT9-related condition.

Submissions (3):

PreventionGenetics, part of Exact Sciences
Classification: Likely benign for KRT9-related condition. Last evaluated: 2026-05-23. Review status: criteria provided, single submitter. Criteria: ACMG Guidelines, 2015. Collection method: clinical testing. Allele origin: germline.
Comment: This variant is classified as likely benign based on ACMG/AMP sequence variant interpretation guidelines (Richards et al. 2015 PMID: 25741868, with internal and published modifications).

Blueprint Genetics
Classification: Likely benign. Last evaluated: 2024-09-18. Review status: criteria provided, single submitter. Criteria: ACMG Guidelines, 2015. Collection method: clinical testing. Allele origin: germline.

Labcorp Genetics (formerly Invitae), Labcorp
Classification: Benign. Last evaluated: 2023-04-06. Review status: criteria provided, single submitter. Criteria: Invitae Variant Classification Sherloc (09022015). Collection method: clinical testing. Allele origin: germline.